The following is an entry in ClinVar:

NM_001114753.3(ENG):c.3G>T (p.Met1Ile)

Gene: ENG (endoglin; minus strand). Cytogenetic location: 9q34.11.
Variant type: single nucleotide variant.
Coding change: c.3G>T on transcript NM_001114753.3 (MANE Select); coding-DNA position 3, G replaced by T.
Protein change: p.Met1Ile; changes the start codon (methionine 1).
Molecular consequence: missense variant, initiator codon variant.
Genome position (GRCh38, 1-based): chr9:127,854,353, C>A on the plus strand (G>T on the coding strand, the complement: ENG is on the minus strand). VCF-style: chr9-127854353-C-A. GRCh37 (hg19) VCF-style: chr9-130616632-C-A.
Other names: c.3G>T, p.Met1Ile (NM_000118.4, NM_001406715.1); short protein forms M1I.
Identifiers: ClinVar variation 1736912 (VCV001736912.3), dbSNP rs2539126528, ClinGen allele CA374989704.

ClinVar aggregate classification (germline): Pathogenic (1 of 4 stars; one submission).

Conditions:
Cardiovascular phenotype. Identifiers: MedGen CN230736.

Submission:

Ambry Genetics
Classification: Pathogenic for Cardiovascular phenotype. Last evaluated: 2021-05-18. Review status: criteria provided, single submitter. Criteria: Ambry Variant Classification Scheme 2023. Collection method: clinical testing. Allele origin: germline.
Comment: The p.M1? pathogenic mutation (also known as c.3G>T) is located in coding exon 1 of the ENG gene and results from a G to T substitution at nucleotide position 3. This alters the methionine residue at the initiation codon (ATG). Other mutations affecting the initiation codon have been reported in multiple patients with hereditary hemorrhagic telangiectasia (Gallione CJ et al. Hum. Mutat., 1998;11:286-94; Lesca G et al. Hum. Mutat., 2004 Apr;23:289-99; Letteboer TG et al. Hum. Genet., 2005 Jan;116:8-16; Alaa El Din F et al. PLoS ONE, 2015 Jul;10:e0132111). In addition to the clinical data presented in the literature, sequence variations that modify the initiation codon are expected to result in either loss of translation initiation, N-terminal truncation, or cause a shift in the mRNA reading frame. Based on the supporting evidence, this alteration is interpreted as a disease-causing mutation.

Literature cited by the submitters: PubMed 15024723; PubMed 15517393; PubMed 26176610; PubMed 9554745.